The following is an entry in ClinVar:

NM_001374828.1(ARID1B):c.3592C>T (p.Arg1198Ter)

Gene: ARID1B (AT-rich interaction domain 1B; plus strand). Cytogenetic location: 6q25.3.
Variant type: single nucleotide variant.
Coding change: c.3592C>T on transcript NM_001374828.1 (MANE Select); coding-DNA position 3592, C replaced by T.
Protein change: p.Arg1198Ter; replaces arginine 1198 with a stop codon.
Molecular consequence: nonsense.
Genome position (GRCh38, 1-based): chr6:157,181,056, C>T. VCF-style: chr6-157181056-C-T. GRCh37 (hg19) VCF-style: chr6-157502190-C-T.
Other names: c.3472C>T, p.Arg1158Ter (NM_001371656.1, NM_001374820.1); c.3433C>T, p.Arg1145Ter (NM_017519.3); c.1093C>T, p.Arg365Ter (NM_001363725.2); c.3223C>T, p.Arg1075Ter (NM_020732.3); short protein forms R1075*, R365*, R1145*, R1158*, R1198*.
Identifiers: ClinVar variation 31216 (VCV000031216.14), dbSNP rs387907144, ClinGen allele CA129770.

ClinVar aggregate classification (germline): Pathogenic. Review status: criteria provided, multiple submitters, no conflicts (2 of 4 stars). 10 submissions from 9 submitters: Pathogenic (8). 2 of the submissions do not count toward it. Last evaluated 2022-12-08.

Conditions:
ARID1B-related BAFopathy.
ARID1B-Related Disorder. Identifiers: MedGen CN381337.
Inborn genetic diseases. Identifiers: MedGen C0950123, MeSH D030342.
Coffin-Siris syndrome 1 (CSS1). Also called: Mental retardation, autosomal dominant 12; ARID1B-Related Coffin-Siris Syndrome. Identifiers: Orphanet 1465, MedGen C3281201, MONDO:0007617, OMIM 135900. Disease mechanism: gain of function.

Submissions (10):

GeneDx
Classification: Pathogenic. Last evaluated: 2022-12-08. Review status: criteria provided, single submitter. Criteria: GeneDx Variant Classification Process June 2021. Collection method: clinical testing. Allele origin: germline. Affected: yes.
Comment: Nonsense variant predicted to result in protein truncation or nonsense mediated decay in a gene for which loss-of-function is a known mechanism of disease; Not observed in large population cohorts (gnomAD); This variant is associated with the following publications: (PMID: 30349098, 26350204, 27474218, 34122524, Pagliaroli2021[Functional Study], 31785789, 22426309)

Genome-Nilou Lab
Classification: Pathogenic for Coffin-Siris syndrome 1. Last evaluated: 2021-07-15. Review status: criteria provided, single submitter. Criteria: ACMG Guidelines, 2015. Collection method: clinical testing. Allele origin: germline. Affected: no.

Baylor Genetics
Classification: Pathogenic for ARID1B-related BAFopathy. Last evaluated: 2021-06-10. Review status: criteria provided, single submitter. Criteria: ACMG Guidelines, 2015. Collection method: clinical testing. Allele origin: de novo. Affected: yes.

Fulgent Genetics
Classification: Pathogenic for Coffin-Siris syndrome 1. Last evaluated: 2018-10-31. Review status: criteria provided, single submitter. Criteria: ACMG Guidelines, 2015. Collection method: clinical testing. Allele origin: unknown.

Cytogénomique, Hospices Civils de Lyon
Classification: Pathogenic for Coffin-Siris syndrome 1. Last evaluated: 2017-10-20. Review status: criteria provided, single submitter. Criteria: ACMG Guidelines, 2015. Collection method: clinical testing. Allele origin: de novo. Inheritance: Autosomal dominant inheritance. Affected: yes.

Baylor Genetics
Classification: Pathogenic for Coffin-Siris syndrome 1. Last evaluated: 2017-09-01. Review status: criteria provided, single submitter. Criteria: ACMG Guidelines, 2015. Collection method: clinical testing. Allele origin: de novo. Inheritance: Autosomal dominant inheritance. Affected: yes.

Undiagnosed Diseases Network, NIH
Classification: Pathogenic for Coffin-Siris syndrome 1. Last evaluated: 2017-02-17. Review status: criteria provided, single submitter. Criteria: ACMG Guidelines, 2015. Collection method: clinical testing. Allele origin: de novo. Inheritance: Autosomal dominant inheritance. Affected: yes. Observed: 1 variant allele, 1 heterozygote. Study: Undiagnosed Diseases Network (NIH), UDN.

Ambry Genetics
Classification: Pathogenic for Inborn genetic diseases. Last evaluated: 2016-07-01. Review status: criteria provided, single submitter. Criteria: Ambry exome assertion method (8-5-2015). Collection method: clinical testing. Allele origin: germline. Affected: yes. Observed: 1 variant allele.

PreventionGenetics, part of Exact Sciences
Classification: Pathogenic for ARID1B-related condition. Last evaluated: 2024-07-03. Review status: no assertion criteria provided. Collection method: clinical testing. Allele origin: germline. Not counted in ClinVar's aggregate classification.
Comment: The ARID1B c.3223C>T variant is predicted to result in premature protein termination (p.Arg1075*). This variant has been reported in individual(s) with Coffin-Siris syndrome (see for example, Santen et al 2012. PubMed ID: 22426309). This variant has not been reported in a large population database, indicating this variant is rare. Nonsense variants in ARID1B are expected to be pathogenic. This variant is interpreted as pathogenic.

OMIM
Classification: Pathogenic for COFFIN-SIRIS SYNDROME 1. Last evaluated: 2012-03-18. Review status: no assertion criteria provided. Collection method: literature only. Allele origin: germline. Not counted in ClinVar's aggregate classification.

Literature cited by the submitters: PubMed 22426309 (cited by 3 submitters); PubMed 25326635 (cited by Baylor Genetics); PubMed 26350204 (cited by Undiagnosed Diseases Network, NIH).